The following is an entry in ClinVar:

ClinVar aggregate classification (germline): Pathogenic. Review status: criteria provided, single submitter (1 of 4 stars). 2 submissions from 2 submitters: Pathogenic (1). 1 of the submissions does not count toward it. Last evaluated 2023-01-26.

Conditions:
Alkaptonuria (AKU). Also called: HOMOGENTISIC ACID OXIDASE DEFICIENCY; Homogentisic acidura; Alcaptonuria; Alkaptonuric ochronosis. Identifiers: Orphanet 56, MedGen C0002066, MONDO:0008753, OMIM 203500.

Allele frequency attached by ClinVar (database versions not stated): gnomAD exomes below 0.00001.
gnomAD v4.1: 3 of 1,614,054 alleles (0.00019%); highest among the groups gnomAD compares: Non-Finnish European, 0.00025%; no homozygotes.

Submissions (2):

Labcorp Genetics (formerly Invitae), Labcorp
Classification: Pathogenic for Alkaptonuria. Last evaluated: 2023-01-26. Review status: criteria provided, single submitter. Criteria: Invitae Variant Classification Sherloc (09022015). Collection method: clinical testing. Allele origin: germline.
Comment: For these reasons, this variant has been classified as Pathogenic. This sequence change falls in intron 9 of the HGD gene. It does not directly change the encoded amino acid sequence of the HGD protein. RNA analysis indicates that this variant induces altered splicing and likely disrupts the C-terminus of the protein. This variant is not present in population databases (gnomAD no frequency). This variant has been observed in individual(s) with features of alkaptonuria (PMID: 30737480; Invitae). In at least one individual the data is consistent with being in trans (on the opposite chromosome) from a pathogenic variant. Studies have shown that this variant results in skipping of exon 10 and introduces a new termination codon (PMID: 30737480). However the mRNA is not expected to undergo nonsense-mediated decay.

Department Of Human Genetics, Institute Of Clinical And Translational Research, Biomedical Research Center, Slovak Academy Of Sciences
Classification: Pathogenic for Alkaptonuria. Review status: no assertion criteria provided. Collection method: research. Allele origin: germline. Inheritance: Autosomal recessive inheritance. Affected: yes. Observed: 1 variant allele. Not counted in ClinVar's aggregate classification.
Comment: This variant was originally described in PMID:30737480, where also its effect on splicing was confirmed by minigene experiments. Variant c.650-13T>G led to a mixture of skipped (exon 10) and correctly spliced products and activation of a cryptic 3′ ss-176. It has been submitted to the HGD gene mutation database (DB-ID: AKU_00193).

Literature cited by the submitters: PubMed 30737480 (cited by Labcorp Genetics (formerly Invitae), Labcorp and Department Of Human Genetics, Institute Of Clinical And Translational Research, Biomedical Research Center, Slovak Academy Of Sciences).

NM_000187.4(HGD):c.650-13T>G

Gene: HGD (homogentisate 1,2-dioxygenase; minus strand). Cytogenetic location: 3q13.33.
Variant type: single nucleotide variant.
Coding change: c.650-13T>G on transcript NM_000187.4 (MANE Select); 13 bases into the intron before coding-DNA position 650, T replaced by G.
Molecular consequence: intron variant.
Genome position (GRCh38, 1-based): chr3:120,644,456, A>C on the plus strand (T>G on the coding strand, the complement: HGD is on the minus strand). VCF-style: chr3-120644456-A-C. GRCh37 (hg19) VCF-style: chr3-120363303-A-C.
Identifiers: ClinVar variation 2148805 (VCV002148805.6), dbSNP rs2472690649, ClinGen allele CA2577865167.